The following is an entry in ClinVar:

NM_001267550.2(TTN):c.1020A>G (p.Glu340=)

Gene: TTN (titin; minus strand). Cytogenetic location: 2q31.2.
Variant type: single nucleotide variant.
Coding change: c.1020A>G on transcript NM_001267550.2 (MANE Select); coding-DNA position 1020, A replaced by G.
Protein change: p.Glu340=; no amino-acid change (glutamic acid 340 retained).
Molecular consequence: synonymous variant.
Genome position (GRCh38, 1-based): chr2:178,795,147, T>C on the plus strand (A>G on the coding strand, the complement: TTN is on the minus strand). VCF-style: chr2-178795147-T-C. GRCh37 (hg19) VCF-style: chr2-179659874-T-C.
Other names: c.1020A>G, p.Glu340= (NM_001256850.1, NM_003319.4, NM_133378.4 and 3 more transcripts).
Identifiers: ClinVar variation 1587578 (VCV001587578.29), dbSNP rs2154356231, ClinGen allele CA430282873.

ClinVar aggregate classification (germline): Likely benign. Review status: criteria provided, multiple submitters, no conflicts (2 of 4 stars). 3 submissions from 3 submitters: Likely benign (3). Last evaluated 2024-04-01.

Conditions:
Cardiovascular phenotype. Identifiers: MedGen CN230736.
Autosomal recessive limb-girdle muscular dystrophy type 2J (LGMDR10). Also called: Limb-girdle muscular dystrophy, type 2J; MUSCULAR DYSTROPHY, LIMB-GIRDLE, AUTOSOMAL RECESSIVE 10. Identifiers: Orphanet 140922, MedGen C1837342, MONDO:0012127, OMIM 608807.
Dilated cardiomyopathy 1G (CMD1G). Identifiers: Orphanet 154, MedGen C1858763, MONDO:0011400, OMIM 604145.

Submissions (3):

CeGaT Center for Human Genetics Tuebingen
Classification: Likely benign. Last evaluated: 2024-04-01. Review status: criteria provided, single submitter. Criteria: CeGaT Center For Human Genetics Tuebingen Variant Classification Criteria Version 2. Collection method: clinical testing. Allele origin: germline. Affected: yes. Observed: 1 variant allele.
Comment: TTN: PM2:Supporting, BP4, BP7

Labcorp Genetics (formerly Invitae), Labcorp
Classification: Likely benign for Dilated cardiomyopathy 1G; Autosomal recessive limb-girdle muscular dystrophy type 2J. Last evaluated: 2022-07-25. Review status: criteria provided, single submitter. Criteria: Invitae Variant Classification Sherloc (09022015). Collection method: clinical testing. Allele origin: germline.

Ambry Genetics
Classification: Likely benign for Cardiovascular phenotype. Last evaluated: 2022-05-30. Review status: criteria provided, single submitter. Criteria: Ambry Variant Classification Scheme 2023. Collection method: clinical testing. Allele origin: germline.